The following is an entry in ClinVar:

ClinVar aggregate classification (germline): Pathogenic/Likely pathogenic. Review status: criteria provided, multiple submitters, no conflicts (2 of 4 stars). 9 submissions from 9 submitters: Pathogenic (2); Likely pathogenic (6). 1 of the submissions does not count toward it. Last evaluated 2026-05-07.

Conditions:
Wilson disease (WND). Also called: Wilson's disease. Identifiers: Orphanet 905, MedGen C0019202, MONDO:0010200, OMIM 277900. Disease mechanism: loss of function.

Allele frequency attached by ClinVar (database versions not stated): gnomAD exomes below 0.00001; ExAC 0.00001.
gnomAD v4.1: 2 of 1,614,204 alleles (0.00012%); highest among the groups gnomAD compares: Non-Finnish European, 0.00017%; no homozygotes.

Submissions (9):

Myriad Genetics, Inc.
Classification: Likely pathogenic for Wilson disease. Last evaluated: 2026-05-07. Review status: criteria provided, single submitter. Criteria: Myriad Autosomal Dominant, Autosomal Recessive and X-Linked Classification Criteria (2023). Collection method: clinical testing. Allele origin: unknown.
Comment: NM_000053.3(ATP7B):c.3971A>G(N1324S) is a missense variant classified as likely pathogenic in the context of Wilson disease. N1324S has been observed in cases with relevant disease (PMID: 35220961, 32043565). Relevant functional assessments of this variant are not available in the literature. N1324S has been observed in referenced population frequency databases. In summary, NM_000053.3(ATP7B):c.3971A>G(N1324S) is a missense variant that has been observed more frequently in cases with the relevant disease than in healthy populations. Please note: this variant was assessed in the context of healthy population screening.

Dasa
Classification: Likely pathogenic for Wilson disease. Last evaluated: 2026-02-23. Review status: criteria provided, single submitter. Criteria: DASA Assertion Criteria. Collection method: clinical testing. Allele origin: germline.
Comment: NM_000053.4(ATP7B):c.3971A>G (p.Asn1324Ser) is a missense variant that results in the substitution of asparagine with serine. The affected residue or protein region has prior evidence supporting clinical relevance. Segregation data support an association with disease in the reported family/families (PMID: 40761701; PMID: 35220961; PMID: 35535059; PMID: 39060521). This variant has been recurrently observed in individuals with ATP7B-related disorders (PMID: 40761701; PMID: 35220961; PMID: 35535059; PMID: 39060521). Also, this variant is rare in population databases. Computational evidence supports a deleterious effect. Based on the currently available evidence, this variant is classified as likely pathogenic.

Natera, Inc.
Classification: Pathogenic for Wilson disease. Last evaluated: 2025-07-07. Review status: criteria provided, single submitter. Criteria: Natera Variant Classification Schema (03/2026). Collection method: clinical testing. Allele origin: germline.
Comment: The c.3971A>G variant in ATP7B is a missense variant predicted to cause substitution of asparagine to serine at amino acid 1324. This variant is rare in the general population with a frequency below the threshold expected for the associated phenotype(s). This variant has been observed in one or more individuals affected with the associated recessive disease, as either homozygous or compound heterozygous with a second variant (PMID: 39060521, 39535360, 35220961). Additionally, this variant has been observed to segregate in affected family members (PMID: 39060521). Computational prediction algorithms indicate this variant is likely to affect gene or protein function. Given the available evidence, this variant is classified as Pathogenic.

Women's Health and Genetics/Laboratory Corporation of America, LabCorp
Classification: Likely pathogenic for Wilson disease. Last evaluated: 2024-08-23. Review status: criteria provided, single submitter. Criteria: LabCorp Variant Classification Summary - May 2015. Collection method: clinical testing. Allele origin: germline.
Comment: Variant summary: ATP7B c.3971A>G (p.Asn1324Ser) results in a conservative amino acid change located in the P-type ATPase domain of the encoded protein sequence. Four of five in-silico tools predict a damaging effect of the variant on protein function. The variant allele was found at a frequency of 4e-06 in 249578 control chromosomes. c.3971A>G has been reported in the literature in individuals affected with Wilson Disease (examples: Zhang_2022, Sanchez-Monteagudo_2020, Bost_2012). These data indicate that the variant is likely to be associated with disease. To our knowledge, no experimental evidence demonstrating an impact on protein function has been reported. The following publications have been ascertained in the context of this evaluation (PMID: 35220961, 22677543, 32043565). ClinVar contains an entry for this variant (Variation ID: 1236173). Based on the evidence outlined above, the variant was classified as likely pathogenic.

Baylor Genetics
Classification: Pathogenic for Wilson disease. Last evaluated: 2024-02-26. Review status: criteria provided, single submitter. Criteria: ACMG Guidelines, 2015. Collection method: clinical testing. Allele origin: unknown.

Labcorp Genetics (formerly Invitae), Labcorp
Classification: Likely pathogenic for Wilson disease. Last evaluated: 2024-01-08. Review status: criteria provided, single submitter. Criteria: Invitae Variant Classification Sherloc (09022015). Collection method: clinical testing. Allele origin: germline.
Comment: This sequence change replaces asparagine, which is neutral and polar, with serine, which is neutral and polar, at codon 1324 of the ATP7B protein (p.Asn1324Ser). This variant is present in population databases (rs760285767, gnomAD 0.0009%). This missense change has been observed in individuals with Wilson disease (PMID: 22677543, 32043565, 35220961). ClinVar contains an entry for this variant (Variation ID: 1236173). Advanced modeling of protein sequence and biophysical properties (such as structural, functional, and spatial information, amino acid conservation, physicochemical variation, residue mobility, and thermodynamic stability) performed at Invitae indicates that this missense variant is expected to disrupt ATP7B protein function with a positive predictive value of 80%. This variant disrupts the p.Asn1324 amino acid residue in ATP7B. Other variant(s) that disrupt this residue have been observed in individuals with ATP7B-related conditions (PMID: 28717664), which suggests that this may be a clinically significant amino acid residue. In summary, the currently available evidence indicates that the variant is pathogenic, but additional data are needed to prove that conclusively. Therefore, this variant has been classified as Likely Pathogenic.

Neuberg Centre For Genomic Medicine, NCGM
Classification: Likely pathogenic for Wilson disease. Last evaluated: 2023-07-22. Review status: criteria provided, single submitter. Criteria: ACMG Guidelines, 2015. Collection method: clinical testing. Allele origin: germline. Inheritance: Autosomal recessive inheritance. Affected: yes.
Comment: The missense c.3971A>G p.Asn1324Ser variant in the ATP7B gene which is in the mutational hotspot has not been reported previously as a pathogenic variant nor as a benign variant, to our knowledge. Another missense variant at this position has been reported previously in association with Wilson disease Zarina, Agnese et al.,2017. This variant is reported with the allele frequency 0.0004% in the gnomAD Exomes . It is submitted to ClinVar as Likely Pathogenic. The amino acid Asparagine at position 1324 is changed to a Serine changing protein sequence and it might alter its composition and physico-chemical properties. Multiple lines of computational evidence Polyphen - Damaging, SIFT – Damaging and MutationTaster - Disease causing predict a damaging effect on protein structure and function for this variant.The amino acid Asparagine in ATP7B is predicted as conserved by GERP++ and PhyloP across 100 vertebrates. For these reasons, this variant has been classified as Likely Pathogenic.

Suma Genomics
Classification: Likely pathogenic for Wilson disease. Review status: criteria provided, single submitter. Criteria: ACMG Guidelines, 2015. Collection method: clinical testing. Allele origin: inherited. Inheritance: Autosomal recessive inheritance. Affected: yes.

All of Us Research Program, National Institutes of Health
Classification: Uncertain significance for Wilson disease. Last evaluated: 2024-08-29. Review status: flagged submission. Criteria: ACMG Guidelines, 2015. Collection method: clinical testing. Allele origin: germline. Inheritance: Autosomal recessive inheritance. Observed: 3 variant alleles, 3 heterozygotes. Not counted in ClinVar's aggregate classification.
Comment: This missense variant replaces asparagine with serine at codon 1324 of the ATP7B protein. Computational prediction suggests that this variant may have deleterious impact on protein structure and function (internally defined REVEL score threshold >= 0.7, PMID: 27666373). To our knowledge, functional studies have not been reported for this variant. This variant has not been reported in individuals affected with Wilson disease in the literature. This variant has been identified in 1/249578 chromosomes in the general population by the Genome Aggregation Database (gnomAD). The available evidence is insufficient to determine the role of this variant in disease conclusively. Therefore, this variant is classified as a Variant of Uncertain Significance.

This study involves interpretation of variants in research participants for the purpose of population health screening. Participant phenotype was not available at the time of variant classification. Additional details can be found in publication PMID: 35346344, PMCID: PMC8962531
ClinVar note: Reason: Outlier claim with insufficient supporting evidence

Literature cited by the submitters: PubMed 32043565 (cited by 3 submitters); PubMed 35220961 (cited by 5 submitters); PubMed 40761701 (cited by Dasa); PubMed 35535059 (cited by Dasa); PubMed 39060521 (cited by Dasa and Natera, Inc.); PubMed 39535360 (cited by Natera, Inc.); PubMed 22677543 (cited by Women's Health and Genetics/Laboratory Corporation of America, LabCorp and Labcorp Genetics (formerly Invitae), Labcorp); PubMed 28717664 (cited by Labcorp Genetics (formerly Invitae), Labcorp).

NM_000053.4(ATP7B):c.3971A>G (p.Asn1324Ser)

Gene: ATP7B (ATPase copper transporting beta; minus strand). Cytogenetic location: 13q14.3.
Variant type: single nucleotide variant.
Coding change: c.3971A>G on transcript NM_000053.4 (MANE Select); coding-DNA position 3971, A replaced by G.
Protein change: p.Asn1324Ser; replaces asparagine 1324 with serine.
Molecular consequence: missense variant.
Genome position (GRCh38, 1-based): chr13:51,937,326, T>C on the plus strand (A>G on the coding strand, the complement: ATP7B is on the minus strand). VCF-style: chr13-51937326-T-C. GRCh37 (hg19) VCF-style: chr13-52511462-T-C.
Other names: c.3350A>G, p.Asn1117Ser (NM_001005918.3); c.3638A>G, p.Asn1213Ser (NM_001243182.2); c.3737A>G, p.Asn1246Ser (NM_001330578.2); c.3719A>G, p.Asn1240Ser (NM_001330579.2); c.3971A>G (NM_000053.3); short protein forms N1117S, N1213S, N1240S, N1246S, N1324S.
Identifiers: ClinVar variation 1236173 (VCV001236173.13), dbSNP rs760285767, ClinGen allele CA6988522.